The following is an entry in ClinVar:

ClinVar aggregate classification (germline): Uncertain significance. Review status: criteria provided, multiple submitters, no conflicts (2 of 4 stars). 2 submissions from 2 submitters: Uncertain significance (2). Last evaluated 2024-10-30.

Allele frequency attached by ClinVar (database versions not stated): gnomAD 0.00001; TOPMed 0.00001.
gnomAD v4.1: 3 of 1,613,748 alleles (0.00019%); highest among the groups gnomAD compares: African/African-American, 0.004%; no homozygotes.

Submissions (2):

Ambry Genetics
Classification: Uncertain significance. Last evaluated: 2024-10-30. Review status: criteria provided, single submitter. Criteria: Ambry Variant Classification Scheme 2023. Collection method: clinical testing. Allele origin: germline.

Labcorp Genetics (formerly Invitae), Labcorp
Classification: Uncertain significance. Last evaluated: 2022-07-19. Review status: criteria provided, single submitter. Criteria: Invitae Variant Classification Sherloc (09022015). Collection method: clinical testing. Allele origin: germline.
Comment: In summary, the available evidence is currently insufficient to determine the role of this variant in disease. Therefore, it has been classified as a Variant of Uncertain Significance. Algorithms developed to predict the effect of missense changes on protein structure and function are either unavailable or do not agree on the potential impact of this missense change (SIFT: "Deleterious"; PolyPhen-2: "Benign"; Align-GVGD: "Class C0"). ClinVar contains an entry for this variant (Variation ID: 1489378). This variant has not been reported in the literature in individuals affected with ARSG-related conditions. This variant is present in population databases (no rsID available, gnomAD 0.008%). This sequence change replaces proline, which is neutral and non-polar, with leucine, which is neutral and non-polar, at codon 176 of the ARSG protein (p.Pro176Leu).

NM_001267727.2(ARSG):c.527C>T (p.Pro176Leu)

Gene: ARSG (arylsulfatase G; plus strand). Cytogenetic location: 17q24.2.
Variant type: single nucleotide variant.
Coding change: c.527C>T on transcript NM_001267727.2 (MANE Select); coding-DNA position 527, C replaced by T.
Protein change: p.Pro176Leu; replaces proline 176 with leucine.
Molecular consequence: missense variant.
Genome position (GRCh38, 1-based): chr17:68,351,647, C>T. VCF-style: chr17-68351647-C-T. GRCh37 (hg19) VCF-style: chr17-66347788-C-T.
Other names: c.527C>T, p.Pro176Leu (NM_001352899.2, NM_001352900.2, NM_001352901.2 and 8 more transcripts); c.479C>T, p.Pro160Leu (NM_001352909.2); c.527C>T (NM_014960.3); short protein forms P160L, P176L.
Identifiers: ClinVar variation 1489378 (VCV001489378.9), dbSNP rs1230747345, ClinGen allele CA400741458.